The following is an entry in ClinVar:

ClinVar aggregate classification (germline): Uncertain significance (1 of 4 stars; one submission).

Conditions:
Inborn genetic diseases. Identifiers: MedGen C0950123, MeSH D030342.

Submission:

Ambry Genetics
Classification: Uncertain significance for Inborn genetic diseases. Last evaluated: 2018-06-05. Review status: criteria provided, single submitter. Criteria: Ambry Variant Classification Scheme 2023. Collection method: clinical testing. Allele origin: germline.
Comment: The c.83G>C variant (also known as p.R28T), located in coding exon 1 of the CLN6 gene, results from a G to C substitution at nucleotide position 83. This change occurs in the last base pair of coding exon 1, which makes it likely to have some effect on normal mRNA splicing. In addition to potential splicing impact, this alteration changes the arginine at codon 28 to threonine, an amino acid with similar properties. Both the nucleotide and amino acid positions are well conserved in available vertebrate species. Using the BDGP and ESEfinder splice site prediction tools, this alteration is predicted to abolish the native splice donor site; however, direct experimental evidence is unavailable. In addition, the amino acid change is predicted to be benign and deleterious by PolyPhen and SIFT in silico analyses, respectively. Since supporting evidence is limited at this time, the clinical significance of this alteration remains unclear.

NM_017882.3(CLN6):c.83G>C (p.Arg28Thr)

Gene: CLN6 (CLN6 transmembrane ER protein; minus strand). Cytogenetic location: 15q23.
Variant type: single nucleotide variant.
Coding change: c.83G>C on transcript NM_017882.3 (MANE Select); coding-DNA position 83, G replaced by C.
Protein change: p.Arg28Thr; replaces arginine 28 with threonine.
Molecular consequence: missense variant.
Genome position (GRCh38, 1-based): chr15:68,229,502, C>G on the plus strand (G>C on the coding strand, the complement: CLN6 is on the minus strand). VCF-style: chr15-68229502-C-G. GRCh37 (hg19) VCF-style: chr15-68521840-C-G.
Other names: short protein forms R28T.
Identifiers: ClinVar variation 1763246 (VCV001763246.2), dbSNP rs1381427322, ClinGen allele CA392978052.